The following is an entry in ClinVar:

NM_020884.7(MYH7B):c.1733A>G (p.Gln578Arg)

Gene: MYH7B (myosin heavy chain 7B; plus strand). Cytogenetic location: 20q11.22.
Variant type: single nucleotide variant.
Coding change: c.1733A>G on transcript NM_020884.7 (MANE Select); coding-DNA position 1733, A replaced by G.
Protein change: p.Gln578Arg; replaces glutamine 578 with arginine.
Molecular consequence: missense variant.
Genome position (GRCh38, 1-based): chr20:34,989,885, A>G. VCF-style: chr20-34989885-A-G. GRCh37 (hg19) VCF-style: chr20-33577688-A-G.
Other names: short protein forms Q578R.
Identifiers: ClinVar variation 1918222 (VCV001918222.5), dbSNP rs750177484, ClinGen allele CA9827045.

ClinVar aggregate classification (germline): Uncertain significance (1 of 4 stars; one submission).

Allele frequency attached by ClinVar (database versions not stated): gnomAD exomes below 0.00001; TOPMed below 0.00001; ExAC 0.00001.

Submission:

Labcorp Genetics (formerly Invitae), Labcorp
Classification: Uncertain significance. Last evaluated: 2024-07-27. Review status: criteria provided, single submitter. Criteria: Invitae Variant Classification Sherloc (09022015). Collection method: clinical testing. Allele origin: germline.
Comment: This sequence change replaces glutamine, which is neutral and polar, with arginine, which is basic and polar, at codon 620 of the MYH7B protein (p.Gln620Arg). This variant is not present in population databases (gnomAD no frequency). This missense change has been observed in individual(s) with hypertrophic cardiomyopathy (PMID: 32207065). ClinVar contains an entry for this variant (Variation ID: 1918222). Advanced modeling of protein sequence and biophysical properties (such as structural, functional, and spatial information, amino acid conservation, physicochemical variation, residue mobility, and thermodynamic stability) has been performed at Invitae for this missense variant, however the output from this modeling did not meet the statistical confidence thresholds required to predict the impact of this variant on MYH7B protein function. In summary, the available evidence is currently insufficient to determine the role of this variant in disease. Therefore, it has been classified as a Variant of Uncertain Significance.

Literature cited by the submitters: PubMed 32207065.